The following is an entry in ClinVar:

ClinVar aggregate classification (germline): Uncertain significance. Review status: criteria provided, multiple submitters, no conflicts (2 of 4 stars). 2 submissions from 2 submitters: Uncertain significance (2). Last evaluated 2026-05-26.

Conditions:
Hereditary cancer-predisposing syndrome. Also called: Hereditary neoplastic syndrome; Tumor predisposition; Hereditary Cancer Syndrome; Neoplastic Syndromes, Hereditary. Identifiers: Orphanet 140162, MedGen C0027672, MeSH D009386, MONDO:0015356.
Breast-ovarian cancer, familial, susceptibility to, 4. Identifiers: Orphanet 145, MedGen C3280345, MONDO:0013669, OMIM 614291.

Submissions (2):

Ambry Genetics
Classification: Uncertain significance for Hereditary cancer-predisposing syndrome. Last evaluated: 2026-05-26. Review status: criteria provided, single submitter. Criteria: Ambry Variant Classification Scheme 2023. Collection method: clinical testing. Allele origin: germline.
Comment: The p.Q60E variant (also known as c.178C>G), located in coding exon 3 of the RAD51D gene, results from a C to G substitution at nucleotide position 178. The glutamine at codon 60 is replaced by glutamic acid, an amino acid with highly similar properties. This amino acid position is conserved. In addition, this alteration is predicted to be tolerated by in silico analysis. Based on the available evidence, the clinical significance of this variant remains unclear.

Labcorp Genetics (formerly Invitae), Labcorp
Classification: Uncertain significance for Breast-ovarian cancer, familial, susceptibility to, 4. Last evaluated: 2024-04-24. Review status: criteria provided, single submitter. Criteria: Invitae Variant Classification Sherloc (09022015). Collection method: clinical testing. Allele origin: germline.
Comment: This sequence change replaces glutamine, which is neutral and polar, with glutamic acid, which is acidic and polar, at codon 60 of the RAD51D protein (p.Gln60Glu). This variant is not present in population databases (gnomAD no frequency). This variant has not been reported in the literature in individuals affected with RAD51D-related conditions. Advanced modeling of protein sequence and biophysical properties (such as structural, functional, and spatial information, amino acid conservation, physicochemical variation, residue mobility, and thermodynamic stability) performed at Invitae indicates that this missense variant is not expected to disrupt RAD51D protein function with a negative predictive value of 80%. In summary, the available evidence is currently insufficient to determine the role of this variant in disease. Therefore, it has been classified as a Variant of Uncertain Significance.

NM_002878.4(RAD51D):c.178C>G (p.Gln60Glu)

Genes: RAD51D (RAD51 paralog D; minus strand), RAD51L3-RFFL (RAD51L3-RFFL readthrough; minus strand). Cytogenetic location: 17q12.
Variant type: single nucleotide variant.
Coding change: c.178C>G on transcript NM_002878.4 (MANE Select); coding-DNA position 178, C replaced by G.
Protein change: p.Gln60Glu; replaces glutamine 60 with glutamic acid.
Molecular consequence: missense variant. On other transcripts: intron variant (2).
Genome position (GRCh38, 1-based): chr17:35,118,586, G>C on the plus strand (C>G on the coding strand, the complement: RAD51D is on the minus strand). VCF-style: chr17-35118586-G-C. GRCh37 (hg19) VCF-style: chr17-33445605-G-C.
Other names: c.144+525C>G (NM_133629.3, NM_001142571.2); short protein forms Q60E.
Identifiers: ClinVar variation 3649572 (VCV003649572.3).